The following is an entry in ClinVar:

NM_032119.4(ADGRV1):c.6901C>T (p.Gln2301Ter)

Gene: ADGRV1 (adhesion G protein-coupled receptor V1; plus strand). Cytogenetic location: 5q14.3.
Variant type: single nucleotide variant.
Coding change: c.6901C>T on transcript NM_032119.4 (MANE Select); coding-DNA position 6901, C replaced by T.
Protein change: p.Gln2301Ter; replaces glutamine 2301 with a stop codon.
Molecular consequence: nonsense.
Genome position (GRCh38, 1-based): chr5:90,690,991, C>T. VCF-style: chr5-90690991-C-T. GRCh37 (hg19) VCF-style: chr5-89986808-C-T.
Other names: short protein forms Q2301*.
Identifiers: ClinVar variation 6798 (VCV000006798.30), dbSNP rs121909762, ClinGen allele CA253955.

ClinVar aggregate classification (germline): Pathogenic/Likely pathogenic. Review status: criteria provided, multiple submitters, no conflicts (2 of 4 stars). 13 submissions from 13 submitters: Pathogenic (10); Likely pathogenic (1). 2 of the submissions do not count toward it. Last evaluated 2025-12-03.

Conditions:
ADGRV1-related disorder. Also called: ADGRV1-related condition; ADGRV1-related disorders.
Rare genetic deafness. Identifiers: Orphanet 96210, MedGen C5680250.
Usher syndrome. Also called: Usher's syndrome; Usher Syndromes. Identifiers: Orphanet 886, MedGen CN469326, MeSH D052245, MONDO:0019501. Disease mechanism: loss of function.
Febrile seizures, familial, 4 (FEB4). Also called: CONVULSIONS, FAMILIAL FEBRILE, 4. Identifiers: MedGen C1858493, MONDO:0011443, OMIM 604352.
Usher syndrome type 2C. Also called: USHER SYNDROME, TYPE IIC; Usher syndrome, type 2B. Identifiers: Orphanet 231178, Orphanet 886, MedGen C2931213, MONDO:0011558, OMIM 605472.

Allele frequency attached by ClinVar (database versions not stated): ExAC 0.00002; gnomAD 0.00003 and 0.00004; TOPMed 0.00006.
gnomAD v4.1: 96 of 1,613,670 alleles (0.0059%); highest among the groups gnomAD compares: Non-Finnish European, 0.0074%; no homozygotes.

Submissions (13):

Victorian Clinical Genetics Services, Murdoch Childrens Research Institute
Classification: Pathogenic for Usher syndrome type 2C. Last evaluated: 2025-12-03. Review status: criteria provided, single submitter. Criteria: ACMG Guidelines, 2015. Collection method: clinical testing. Allele origin: germline. Affected: yes.
Comment: This variant is classified as Pathogenic. Evidence in support of pathogenic classification: Variant is predicted to cause nonsense-mediated decay (NMD) and loss of protein (premature termination codon is located at least 54 nucleotides upstream of the final exon-exon junction); Variant is present in gnomAD <0.01 for a recessive condition (v4: 96 heterozygote(s), 0 homozygote(s)); This variant has strong previous evidence of pathogenicity in unrelated individuals. This variant has been classified as likely pathogenic/pathogenic by clinical laboratories in ClinVar; Other NMD-predicted variant(s) comparable to the one identified in this case have very strong previous evidence for pathogenicity (DECIPHER). Additional information: This variant is heterozygous; This gene is associated with autosomal recessive disease. There is an emerging autosomal dominant association with epilepsy (MONDO:0005027), ADGRV1-related (PanelApp Australia); Loss of function is a known mechanism of disease in this gene and is associated with Usher syndrome, type 2C (MIM#605472); Inheritance information for this variant is not currently available in this individual.

PreventionGenetics, part of Exact Sciences
Classification: Pathogenic for ADGRV1-related condition. Last evaluated: 2025-10-26. Review status: criteria provided, single submitter. Criteria: ACMG Guidelines, 2015. Collection method: clinical testing. Allele origin: germline.
Comment: The ADGRV1 c.6901C>T variant is predicted to result in premature protein termination (p.Gln2301*). This variant was reported in individuals with autosomal recessive Usher syndrome or retinal dystrophy (see, for example, Weston et al. 2004. PubMed ID: 14740321; supplementary data, reported under GPR98, Zampaglione et al. 2020. PubMed ID: 32037395; supplementary data, Lin et al. 2024. PubMed ID: 38219857). This variant is reported in 0.011% of alleles in individuals of European (Non-Finnish) descent in gnomAD. Nonsense variants in ADGRV1 are expected to be pathogenic. This variant is interpreted as pathogenic.

Labcorp Genetics (formerly Invitae), Labcorp
Classification: Pathogenic. Last evaluated: 2025-05-21. Review status: criteria provided, single submitter. Criteria: Invitae Variant Classification Sherloc (09022015). Collection method: clinical testing. Allele origin: germline.
Comment: This sequence change creates a premature translational stop signal (p.Gln2301*) in the ADGRV1 gene. It is expected to result in an absent or disrupted protein product. Loss-of-function variants in ADGRV1 are known to be pathogenic (PMID: 19357117, 22135276, 22147658, 26226137, 30718709, 31047384, 32467589). This variant is present in population databases (rs121909762, gnomAD 0.01%). This premature translational stop signal has been observed in individual(s) with ADGRV1-related conditions (PMID: 14740321, 26164827). In at least one individual the data is consistent with being in trans (on the opposite chromosome) from a pathogenic variant. It has also been observed to segregate with disease in related individuals. ClinVar contains an entry for this variant (Variation ID: 6798). Algorithms developed to predict the effect of sequence changes on RNA splicing suggest that this variant may disrupt the consensus splice site. For these reasons, this variant has been classified as Pathogenic.

Women's Health and Genetics/Laboratory Corporation of America, LabCorp
Classification: Pathogenic for Usher syndrome. Last evaluated: 2024-11-15. Review status: criteria provided, single submitter. Criteria: LabCorp Variant Classification Summary - May 2015. Collection method: clinical testing. Allele origin: germline.
Comment: Variant summary: ADGRV1 c.6901C>T (p.Gln2301X) results in a premature termination codon, predicted to cause a truncation of the encoded protein or absence of the protein due to nonsense mediated decay, which are commonly known mechanisms for disease. The variant allele was found at a frequency of 4.8e-05 in 249006 control chromosomes. This frequency is not significantly higher than estimated for a pathogenic variant in ADGRV1 causing Usher Syndrome (4.8e-05 vs 0.0054), allowing no conclusion about variant significance. c.6901C>T has been reported in the literature in multiple individuals affected with Usher Syndrome (example: Weston_2004). These data indicate that the variant is very likely to be associated with disease. The following publication has been ascertained in the context of this evaluation (PMID: 14740321). ClinVar contains an entry for this variant (Variation ID: 6798). Based on the evidence outlined above, the variant was classified as pathogenic.

Baylor Genetics
Classification: Pathogenic for Usher syndrome type 2C. Last evaluated: 2023-10-26. Review status: criteria provided, single submitter. Criteria: ACMG Guidelines, 2015. Collection method: clinical testing. Allele origin: unknown.

GeneDx
Classification: Pathogenic. Last evaluated: 2022-10-04. Review status: criteria provided, single submitter. Criteria: GeneDx Variant Classification Process June 2021. Collection method: clinical testing. Allele origin: germline. Affected: yes.
Comment: Nonsense variant predicted to result in protein truncation or nonsense mediated decay in a gene for which loss-of-function is a known mechanism of disease; This variant is associated with the following publications: (PMID: 23891399, 25525159, 14740321, 18463160, 26164827, 28041643, 15671307, 32581362, 32037395)

Blueprint Genetics
Classification: Pathogenic for ADGRV1-related disorders. Last evaluated: 2022-09-02. Review status: criteria provided, single submitter. Criteria: ACMG Guidelines, 2015. Collection method: clinical testing. Allele origin: germline. Affected: yes. Observed: 5 variant alleles.

Fulgent Genetics
Classification: Pathogenic for Febrile seizures, familial, 4; Usher syndrome type 2C. Last evaluated: 2018-10-31. Review status: criteria provided, single submitter. Criteria: ACMG Guidelines, 2015. Collection method: clinical testing. Allele origin: unknown.

Laboratory for Molecular Medicine, Mass General Brigham Personalized Medicine
Classification: Pathogenic for Rare genetic deafness. Last evaluated: 2017-12-14. Review status: criteria provided, single submitter. Criteria: LMM Criteria. Collection method: clinical testing. Allele origin: germline. Inheritance: Autosomal recessive inheritance. Observed: 1 variant allele.
Comment: The p.Gln2301X variant in ADGRV1 has been reported in the homozygous or compound heterozygous state with another loss-of-function variant in 3 individuals with Usher syndrome and segregated with disease in 2 affected relatives from 1 family (Weston 2004, Sujirakul 2015). This variant has been identified in 14/276946 Eu ropean chromosomes by the Genome Aggregation Database (gnomAD; dbSNP rs121909762). It has also been reported in ClinVar (Varia tion ID: 6798). Although this variant has been seen in the general population, i ts frequency is low enough to be consistent with a recessive carrier frequency f or Usher syndrome. This nonsense variant leads to a premature termination codon at position 2301, which is predicted to lead to a truncated or absent protein. L oss of function of the ADGRV1 gene is an established disease mechanism in autoso mal recessive Usher syndrome type 2. In summary, this variant meets criteria to be classified as pathogenic for Usher syndrome in an autosomal recessive manner based upon predicted impact to the protein and the identification of the variant in homozygosity or compound heterozygosity in affected individuals. ACMG/AMP Cr iteria applied: PVS1; PM3_Strong.

Eurofins Ntd Llc (ga)
Classification: Pathogenic. Last evaluated: 2017-01-25. Review status: criteria provided, single submitter. Criteria: EGL Classification Definitions 2015. Collection method: clinical testing. Allele origin: germline. Observed: 1 variant allele, 1 heterozygote.

Illumina Laboratory Services, Illumina
Classification: Likely pathogenic for Usher syndrome type 2C. Last evaluated: 2016-09-19. Review status: criteria provided, single submitter. Criteria: ICSL Variant Classification Criteria 09 May 2019. Collection method: clinical testing. Allele origin: germline.
Comment: The ADGRV1 c.6901C>T (p.Gln2301Ter) variant is a stop-gained variant that is predicted to result in premature termination of the protein. The variant was first reported by Weston et al. (2004) in a total of six individuals with Usher syndrome, including four siblings (including a pair of identical twins) who were homozygous for the variant, a sporadic case from a consanguineous family who was homozygous, and a sporadic case who was heterozygous with a second unidentified variant. The p.Gln2301Ter variant was also identified in a heterozygous state in the unaffected father of the siblings. Sujirakul et al. (2015) identified an individual with autosomal recessive retinitis pigmentosa who carried the p.Gln2301Ter variant and a second heterozygous variant, though the phase of the variants is unclear. Schuerch et al. (2016) found the p.Gln2301Ter variant in a homozygous state in an individual with an unspecified phenotype. The p.Gln2301Ter variant was absent from 190 control chromosomes (Weston et al. 2004), but is reported at a frequency of 0.00004 in the European (non-Finnish) population of the Exome Aggregation Consortium. Due to the potential impact of stop-gained variants and evidence from the literature, the p.Gln2301Ter variant is classified as likely pathogenic for Usher syndrome. This variant was observed by ICSL as part of a predisposition screen in an ostensibly healthy population.

NIHR Bioresource Rare Diseases, University of Cambridge
Classification: Pathogenic for Usher syndrome. Last evaluated: 2015-01-01. Review status: no assertion criteria provided. Collection method: research. Allele origin: unknown. Affected: yes. Observed: 1 variant allele. Not counted in ClinVar's aggregate classification.

OMIM
Classification: Pathogenic for USHER SYNDROME, TYPE IIC. Last evaluated: 2004-02-01. Review status: no assertion criteria provided. Collection method: literature only. Allele origin: germline. Not counted in ClinVar's aggregate classification.

Literature cited by the submitters: PubMed 19357117 (cited by Labcorp Genetics (formerly Invitae), Labcorp); PubMed 22135276 (cited by Labcorp Genetics (formerly Invitae), Labcorp); PubMed 22147658 (cited by Labcorp Genetics (formerly Invitae), Labcorp); PubMed 26226137 (cited by Labcorp Genetics (formerly Invitae), Labcorp); PubMed 30718709 (cited by Labcorp Genetics (formerly Invitae), Labcorp); PubMed 31047384 (cited by Labcorp Genetics (formerly Invitae), Labcorp); PubMed 32467589 (cited by Labcorp Genetics (formerly Invitae), Labcorp); PubMed 14740321 (cited by 7 submitters); PubMed 26164827 (cited by 3 submitters); PubMed 15671307 (cited by Laboratory for Molecular Medicine, Mass General Brigham Personalized Medicine); PubMed 27575413 (cited by Illumina Laboratory Services, Illumina); PubMed 28041643 (cited by NIHR Bioresource Rare Diseases, University of Cambridge).